The following is an entry in ClinVar:

ClinVar aggregate classification (germline): Likely pathogenic (1 of 4 stars; one submission).

Conditions:
Cystic fibrosis (CF). Also called: MUCOVISCIDOSIS. Identifiers: Orphanet 586, MedGen C0010674, MONDO:0009061, OMIM 219700. Disease mechanism: loss of function.

Submission:

Institute of Human Genetics, University of Leipzig Medical Center
Classification: Likely pathogenic for Cystic fibrosis. Last evaluated: 2025-07-16. Review status: criteria provided, single submitter. Criteria: ACMG Guidelines, 2015. Collection method: clinical testing. Allele origin: unknown. Inheritance: Autosomal recessive inheritance. Affected: yes.
Comment: Criteria applied: PM2,PM3,PP3,PP4

NM_000492.4(CFTR):c.53+1005T>G

Gene: CFTR (CF transmembrane conductance regulator; plus strand). Cytogenetic location: 7q31.2.
Variant type: single nucleotide variant.
Coding change: c.53+1005T>G on transcript NM_000492.4 (MANE Select); 1005 bases into the intron after coding-DNA position 53, T replaced by G.
Molecular consequence: intron variant.
Genome position (GRCh38, 1-based): chr7:117,481,152, T>G. VCF-style: chr7-117481152-T-G. GRCh37 (hg19) VCF-style: chr7-117121206-T-G.
Identifiers: ClinVar variation 2579747 (VCV002579747.2), dbSNP rs2484931786, ClinGen allele CA2580617916.